The following is an entry in ClinVar:

ClinVar aggregate classification (germline): Uncertain significance (1 of 4 stars; one submission).

Submission:

Labcorp Genetics (formerly Invitae), Labcorp
Classification: Uncertain significance. Last evaluated: 2022-09-07. Review status: criteria provided, single submitter. Criteria: Invitae Variant Classification Sherloc (09022015). Collection method: clinical testing. Allele origin: germline.
Comment: This sequence change replaces glutamine, which is neutral and polar, with arginine, which is basic and polar, at codon 6 of the MOCS2A protein (p.Gln6Arg). This variant is not present in population databases (gnomAD no frequency). This variant has not been reported in the literature in individuals affected with MOCS2A-related conditions. ClinVar contains an entry for this variant (Variation ID: 1393896). Algorithms developed to predict the effect of missense changes on protein structure and function (SIFT, PolyPhen-2, Align-GVGD) all suggest that this variant is likely to be tolerated. In summary, the available evidence is currently insufficient to determine the role of this variant in disease. Therefore, it has been classified as a Variant of Uncertain Significance.

NM_176806.4(MOCS2):c.17A>G (p.Gln6Arg)

Genes: MOCS2 (molybdenum cofactor synthesis 2; minus strand), LOC129993881 (ATAC-STARR-seq lymphoblastoid silent region 16005; plus strand). Cytogenetic location: 5q11.2.
Variant type: single nucleotide variant.
Coding change: c.17A>G on transcript NM_176806.4 (MANE Plus Clinical); coding-DNA position 17, A replaced by G.
Protein change: p.Gln6Arg; replaces glutamine 6 with arginine.
Molecular consequence: missense variant. On other transcripts: 5 prime UTR variant (1).
Genome position (GRCh38, 1-based): chr5:53,109,713, T>C on the plus strand (A>G on the coding strand, the complement: MOCS2 is on the minus strand). VCF-style: chr5-53109713-T-C. GRCh37 (hg19) VCF-style: chr5-52405543-T-C.
Other names: c.-632A>G (NM_004531.5); short protein forms Q6R.
Identifiers: ClinVar variation 1393896 (VCV001393896.3), dbSNP rs2112095238, ClinGen allele CA359694252.
Genomic context (GRCh38, chr5:53,109,713, plus strand): 5'-GAGAGACACGTCGAGGAGGGCTCCGCACCCAGGCCCGCACGCACACCCGCCACCCTTACC[T>C]GGCACAGCGGCACCATCCCGCCTAGGACAGCGGGACCGAATCACGGCCGCAAAGGCGCAG-3'
Protein context (NP_789776.1, residues 1-16): MVPLC[Gln6Arg]VEVLYFAKSA